The following is an entry in ClinVar:

ClinVar aggregate classification (germline): Benign/Likely benign. Review status: criteria provided, multiple submitters, no conflicts (2 of 4 stars). 6 submissions from 6 submitters: Benign (2); Likely benign (4). Last evaluated 2026-03-25.

Conditions:
ABCA1-related disorder. Also called: ABCA1-related disorders; ABCA1-related condition. Identifiers: MedGen CN239173.
Cardiovascular phenotype. Identifiers: MedGen CN230736.

Allele frequency attached by ClinVar (database versions not stated): ESP Exome Variant Server 0.00015; ExAC 0.00016; 1000 Genomes Project 0.00020; gnomAD exomes 0.00020; gnomAD 0.00028; 1000 Genomes Project 30x 0.00031; TOPMed 0.00034.
gnomAD v4.1: 196 of 1,614,168 alleles (0.012%); highest among the groups gnomAD compares: African/African-American, 0.055%; no homozygotes.

Submissions (6):

PreventionGenetics, part of Exact Sciences
Classification: Likely benign for ABCA1-related condition. Last evaluated: 2026-03-25. Review status: criteria provided, single submitter. Criteria: ACMG Guidelines, 2015. Collection method: clinical testing. Allele origin: germline.
Comment: This variant is classified as likely benign based on ACMG/AMP sequence variant interpretation guidelines (Richards et al. 2015 PMID: 25741868, with internal and published modifications).

CeGaT Center for Human Genetics Tuebingen
Classification: Likely benign. Last evaluated: 2026-03-01. Review status: criteria provided, single submitter. Criteria: CeGaT Center For Human Genetics Tuebingen Variant Classification Criteria Version 2. Collection method: clinical testing. Allele origin: germline. Affected: yes. Observed: 1 variant allele.
Comment: ABCA1: BP4, BP7

Labcorp Genetics (formerly Invitae), Labcorp
Classification: Likely benign. Last evaluated: 2026-01-19. Review status: criteria provided, single submitter. Criteria: Invitae Variant Classification Sherloc (09022015). Collection method: clinical testing. Allele origin: germline.

Women's Health and Genetics/Laboratory Corporation of America, LabCorp
Classification: Benign. Last evaluated: 2020-12-06. Review status: criteria provided, single submitter. Criteria: LabCorp Variant Classification Summary - May 2015. Collection method: clinical testing. Allele origin: germline.

Ambry Genetics
Classification: Likely benign for Cardiovascular phenotype. Last evaluated: 2019-07-05. Review status: criteria provided, single submitter. Criteria: Ambry Variant Classification Scheme 2023. Collection method: clinical testing. Allele origin: germline.

Breakthrough Genomics
Classification: Benign. Review status: criteria provided, single submitter. Criteria: ACMG Guidelines, 2015. Collection method: not provided. Allele origin: germline. Inheritance: Autosomal recessive inheritance. Affected: yes.

NM_005502.4(ABCA1):c.6018C>T (p.His2006=)

Genes: ABCA1 (ATP binding cassette subfamily A member 1; minus strand), NIPSNAP3B (nipsnap homolog 3B; plus strand). Cytogenetic location: 9q31.1.
Variant type: single nucleotide variant.
Coding change: c.6018C>T on transcript NM_005502.4 (MANE Select); coding-DNA position 6018, C replaced by T.
Protein change: p.His2006=; no amino-acid change (histidine 2006 retained).
Molecular consequence: synonymous variant.
Genome position (GRCh38, 1-based): chr9:104,788,477, G>A on the plus strand (C>T on the coding strand, the complement: ABCA1 is on the minus strand). VCF-style: chr9-104788477-G-A. GRCh37 (hg19) VCF-style: chr9-107550758-G-A.
Identifiers: ClinVar variation 992256 (VCV000992256.13), dbSNP rs367815303, ClinGen allele CA5167664.